The following is an entry in ClinVar:

NM_001035.3(RYR2):c.6689C>T (p.Ala2230Val)

Gene: RYR2 (ryanodine receptor 2; plus strand). Cytogenetic location: 1q43.
Variant type: single nucleotide variant.
Coding change: c.6689C>T on transcript NM_001035.3 (MANE Select); coding-DNA position 6689, C replaced by T.
Protein change: p.Ala2230Val; replaces alanine 2230 with valine.
Molecular consequence: missense variant.
Genome position (GRCh38, 1-based): chr1:237,634,889, C>T. VCF-style: chr1-237634889-C-T. GRCh37 (hg19) VCF-style: chr1-237798189-C-T.
Other names: c.6689C>T, p.Ala2230Val (LRG_402t1); short protein forms A2230V.
Identifiers: ClinVar variation 191484 (VCV000191484.1), dbSNP rs786205270, ClinGen allele CA010274.

ClinVar aggregate classification (germline): Uncertain significance (1 of 4 stars; one submission).

Submission:

Biesecker Lab/Clinical Genomics Section, National Institutes of Health
Classification: Uncertain significance. Last evaluated: 2013-06-24. Review status: criteria provided, single submitter. Criteria: Ng et al. (Circ Cardiovasc Genet. 2013). Collection method: research. Allele origin: unknown. Observed: 1 variant allele. Study: ClinSeq.
Comment: The study set was not selected for affection status in relation to any cancer. Pathogenicity categories were based on literature curation. See Pubmed ID:23861362 for details.

Medical sequencing